The following is an entry in ClinVar:

NM_000796.6(DRD3):c.25G>A (p.Gly9Ser)

Gene: DRD3 (dopamine receptor D3; minus strand). Cytogenetic location: 3q13.31.
Variant type: single nucleotide variant.
Coding change: c.25G>A on transcript NM_000796.6 (MANE Select); coding-DNA position 25, G replaced by A.
Protein change: p.Gly9Ser; replaces glycine 9 with serine.
Molecular consequence: missense variant.
Genome position (GRCh38, 1-based): chr3:114,171,968, C>T on the plus strand (G>A on the coding strand, the complement: DRD3 is on the minus strand). VCF-style: chr3-114171968-C-T. GRCh37 (hg19) VCF-style: chr3-113890815-C-T.
Other names: S9G; c.25G>A, p.Gly9Ser (NM_001282563.2, NM_001290809.1, NM_033663.6); short protein forms G9S.
Identifiers: ClinVar variation 16770 (VCV000016770.8), dbSNP rs6280, ClinGen allele CA126866.

ClinVar aggregate classification (germline): Benign/Likely benign. Review status: criteria provided, multiple submitters, no conflicts (2 of 4 stars). 6 submissions from 5 submitters: Benign (1); Likely benign (2). 3 of the submissions do not count toward it. Last evaluated 2018-03-09.

Conditions:
DRD3-related disorder. Also called: DRD3-related condition.
Tremor, hereditary essential, 1 (ETM1). Also called: Familial essential tremor. Identifiers: MedGen C1860861, MONDO:0008590, OMIM 190300.
Essential tremor, susceptibility to.
Schizophrenia, susceptibility to. Identifiers: MedGen C2675945, MONDO:0100182.

Allele frequency attached by ClinVar (database versions not stated): gnomAD exomes 0.65407 and 0.62752; ExAC 0.65683; 1000 Genomes Project 30x 0.50562; 1000 Genomes Project 0.51358; TOPMed 0.52788; gnomAD 0.53929 and 0.54577.
gnomAD v4.1: 961,010 of 1,496,244 alleles (64%); highest among the groups gnomAD compares: East Asian, 71%; 316,020 homozygotes.

Submissions (6):

GeneDx
Classification: Likely benign. Last evaluated: 2018-03-09. Review status: criteria provided, single submitter. Criteria: GeneDx Variant Classification (06012015). Collection method: clinical testing. Allele origin: germline. Affected: yes.
Comment: This variant is considered likely benign or benign based on one or more of the following criteria: it is a conservative change, it occurs at a poorly conserved position in the protein, it is predicted to be benign by multiple in silico algorithms, and/or has population frequency not consistent with disease.

Illumina Laboratory Services, Illumina
Classification: Benign for Tremor, hereditary essential, 1. Last evaluated: 2018-03-06. Review status: criteria provided, single submitter. Criteria: ICSL Variant Classification Criteria 13 December 2019. Collection method: clinical testing. Allele origin: germline.
Comment: This variant was observed in the ICSL laboratory as part of a predisposition screen in an ostensibly healthy population. It had not been previously curated by ICSL or reported in the Human Gene Mutation Database (HGMD: prior to June 1st, 2018), and was therefore a candidate for classification through an automated scoring system. Utilizing variant allele frequency, disease prevalence and penetrance estimates, and inheritance mode, an automated score was calculated to assess if this variant is too frequent to cause the disease. Based on the score and internal cut-off values, a variant classified as benign is not then subjected to further curation. The score for this variant resulted in a classification of benign for this disease.

Breakthrough Genomics
Classification: Likely benign. Review status: criteria provided, single submitter. Criteria: ACMG Guidelines, 2015. Collection method: not provided. Allele origin: germline. Inheritance: Autosomal dominant inheritance. Affected: yes.

PreventionGenetics, part of Exact Sciences
Classification: Benign for DRD3-related condition. Last evaluated: 2024-08-27. Review status: no assertion criteria provided. Collection method: clinical testing. Allele origin: germline. Not counted in ClinVar's aggregate classification.
Comment: This variant is classified as benign based on ACMG/AMP sequence variant interpretation guidelines (Richards et al. 2015 PMID: 25741868, with internal and published modifications).

OMIM
Classification: risk factor for SCHIZOPHRENIA, SUSCEPTIBILITY TO. Last evaluated: 2007-03-06. Review status: no assertion criteria provided. Collection method: literature only. Allele origin: germline. Not counted in ClinVar's aggregate classification.

OMIM
Classification: risk factor for ESSENTIAL TREMOR, SUSCEPTIBILITY TO. Last evaluated: 2007-03-06. Review status: no assertion criteria provided. Collection method: literature only. Allele origin: germline. Not counted in ClinVar's aggregate classification.

Literature cited by the submitters: PubMed 1362221 (cited by OMIM); PubMed 8411064 (cited by OMIM); PubMed 8225313 (cited by OMIM); PubMed 9514583 (cited by OMIM); PubMed 16650084 (cited by OMIM); PubMed 16809426 (cited by OMIM); PubMed 17339592 (cited by OMIM).